The following is an entry in ClinVar:

ClinVar aggregate classification (germline): Uncertain significance. Review status: criteria provided, multiple submitters, no conflicts (2 of 4 stars). 2 submissions from 2 submitters: Uncertain significance (2). Last evaluated 2024-09-04.

Conditions:
Cardiovascular phenotype. Identifiers: MedGen CN230736.
RASopathy. Also called: rasopathies; Noonan spectrum disorder. Identifiers: Orphanet 536391, MedGen C5555857, MONDO:0021060.

Allele frequency attached by ClinVar (database versions not stated): gnomAD exomes below 0.00001.
gnomAD v4.1: 1 of 1,612,176 alleles (0.000062%); highest among the groups gnomAD compares: Non-Finnish European, 0.000085%; no homozygotes.

Submissions (2):

Ambry Genetics
Classification: Uncertain significance for Cardiovascular phenotype. Last evaluated: 2024-09-04. Review status: criteria provided, single submitter. Criteria: Ambry Variant Classification Scheme 2023. Collection method: clinical testing. Allele origin: germline.
Comment: The p.Q653L variant (also known as c.1958A>T), located in coding exon 16 of the BRAF gene, results from an A to T substitution at nucleotide position 1958. The glutamine at codon 653 is replaced by leucine, an amino acid with dissimilar properties. This amino acid position is conserved. In addition, the in silico prediction for this alteration is inconclusive. Based on the available evidence, the clinical significance of this variant remains unclear.

Labcorp Genetics (formerly Invitae), Labcorp
Classification: Uncertain significance for RASopathy. Last evaluated: 2023-08-20. Review status: criteria provided, single submitter. Criteria: Invitae Variant Classification Sherloc (09022015). Collection method: clinical testing. Allele origin: germline.
Comment: In summary, the available evidence is currently insufficient to determine the role of this variant in disease. Therefore, it has been classified as a Variant of Uncertain Significance. Advanced modeling of protein sequence and biophysical properties (such as structural, functional, and spatial information, amino acid conservation, physicochemical variation, residue mobility, and thermodynamic stability) performed at Invitae indicates that this missense variant is not expected to disrupt BRAF protein function. This sequence change replaces glutamine, which is neutral and polar, with leucine, which is neutral and non-polar, at codon 653 of the BRAF protein (p.Gln653Leu). This variant is not present in population databases (gnomAD no frequency). This variant has not been reported in the literature in individuals affected with BRAF-related conditions. ClinVar contains an entry for this variant (Variation ID: 1719400).

NM_004333.6(BRAF):c.1958A>T (p.Gln653Leu)

Gene: BRAF (B-Raf proto-oncogene, serine/threonine kinase; minus strand). Cytogenetic location: 7q34.
Variant type: single nucleotide variant.
Coding change: c.1958A>T on transcript NM_004333.6 (MANE Select); coding-DNA position 1958, A replaced by T.
Protein change: p.Gln653Leu; replaces glutamine 653 with leucine.
Molecular consequence: missense variant.
Genome position (GRCh38, 1-based): chr7:140,749,321, T>A on the plus strand (A>T on the coding strand, the complement: BRAF is on the minus strand). VCF-style: chr7-140749321-T-A. GRCh37 (hg19) VCF-style: chr7-140449121-T-A.
Other names: c.1958A>T, p.Gln653Leu (NM_001354609.2, NM_001378468.1, NM_001378474.1); c.2078A>T, p.Gln693Leu (NM_001374244.1, NM_001374258.1); c.1967A>T, p.Gln656Leu (NM_001378467.1); c.1892A>T, p.Gln631Leu (NM_001378469.1); c.1856A>T, p.Gln619Leu (NM_001378470.1); c.1847A>T, p.Gln616Leu (NM_001378471.1); c.1802A>T, p.Gln601Leu (NM_001378472.1, NM_001378473.1); c.1694A>T, p.Gln565Leu (NM_001378475.1); short protein forms Q565L, Q601L, Q616L, Q619L, Q631L, Q653L, Q656L, Q693L.
Identifiers: ClinVar variation 1719400 (VCV001719400.6), dbSNP rs2128994366, ClinGen allele CA369540593.
Genomic context (GRCh38, chr7:140,749,321, plus strand): 5'-AACACCAAGACGTGGTAAATATTTACCTGGTCCCTGTTGTTGATGTTTGAATAAGGTAAC[T>A]GTCCAGTCATCAATTCATACAGAACAATTCCAAATGCATATACATCTGACTGAAAGCTGT-3'
Protein context (NP_004324.2, residues 643-663): GIVLYELMTG[Gln653Leu]LPYSNINNRD